The following is an entry in ClinVar:

NM_001377540.1(SLMAP):c.1844G>A (p.Arg615Gln)

Gene: SLMAP (sarcolemma associated protein; plus strand). Cytogenetic location: 3p14.3.
Variant type: single nucleotide variant.
Coding change: c.1844G>A on transcript NM_001377540.1 (MANE Select); coding-DNA position 1844, G replaced by A.
Protein change: p.Arg615Gln; replaces arginine 615 with glutamine.
Molecular consequence: missense variant. On other transcripts: non-coding transcript variant (1).
Genome position (GRCh38, 1-based): chr3:57,912,525, G>A. VCF-style: chr3-57912525-G-A. GRCh37 (hg19) VCF-style: chr3-57898252-G-A.
Other names: c.1793G>A, p.Arg598Gln (NM_001304420.3, NM_001377541.1, NM_001377542.1); c.1679G>A, p.Arg560Gln (NM_001304421.2, NM_001377557.1, NM_001377559.1); c.395G>A, p.Arg132Gln (NM_001304422.3, NM_001311178.2); c.197G>A, p.Arg66Gln (NM_001304423.3); c.272G>A, p.Arg91Gln (NM_001311179.2, NM_001377926.1, NM_001377927.1 and 1 more transcripts); c.1865G>A, p.Arg622Gln (NM_001377538.1); c.1844G>A, p.Arg615Gln (NM_001377539.1); c.1781G>A, p.Arg594Gln (NM_001377545.1); and 9 more; short protein forms R132Q, R519Q, R536Q, R540Q, R577Q, R622Q, R557Q, R560Q.
Identifiers: ClinVar variation 2156074 (VCV002156074.5), dbSNP rs781418237, ClinGen allele CA2467247.

ClinVar aggregate classification (germline): Uncertain significance. Review status: criteria provided, multiple submitters, no conflicts (2 of 4 stars). 2 submissions from 2 submitters: Uncertain significance (2). Last evaluated 2025-03-02.

Conditions:
Brugada syndrome. Also called: Sudden unexpected nocturnal death syndrome; Sudden Unexplained Death Syndrome; Sudden Unexplained Nocturnal Death Syndrome (SUNDS); Sudden unexplained nocturnal death syndrome. Identifiers: Orphanet 130, MedGen C1142166, MONDO:0015263.

Allele frequency attached by ClinVar (database versions not stated): ExAC 0.00001; TOPMed 0.00002; gnomAD 0.00003.
gnomAD v4.1: 11 of 1,614,030 alleles (0.00068%); highest among the groups gnomAD compares: African/African-American, 0.0027%; no homozygotes.

Submissions (2):

Labcorp Genetics (formerly Invitae), Labcorp
Classification: Uncertain significance for Brugada syndrome. Last evaluated: 2025-03-02. Review status: criteria provided, single submitter. Criteria: Invitae Variant Classification Sherloc (09022015). Collection method: clinical testing. Allele origin: germline.
Comment: This sequence change replaces arginine, which is basic and polar, with glutamine, which is neutral and polar, at codon 581 of the SLMAP protein (p.Arg581Gln). This variant is present in population databases (rs781418237, gnomAD 0.004%). This variant has not been reported in the literature in individuals affected with SLMAP-related conditions. ClinVar contains an entry for this variant (Variation ID: 2156074). An algorithm developed to predict the effect of missense changes on protein structure and function (PolyPhen-2) suggests that this variant is likely to be disruptive. In summary, the available evidence is currently insufficient to determine the role of this variant in disease. Therefore, it has been classified as a Variant of Uncertain Significance.

Ambry Genetics
Classification: Uncertain significance. Last evaluated: 2024-11-05. Review status: criteria provided, single submitter. Criteria: Ambry Variant Classification Scheme 2023. Collection method: clinical testing. Allele origin: germline.
Comment: The p.R581Q variant (also known as c.1742G>A), located in coding exon 17 of the SLMAP gene, results from a G to A substitution at nucleotide position 1742. The arginine at codon 581 is replaced by glutamine, an amino acid with highly similar properties. This amino acid position is conserved. In addition, this alteration is predicted to be tolerated by in silico analysis. Based on the available evidence, the clinical significance of this variant remains unclear.